The following is an entry in ClinVar:

ClinVar aggregate classification (germline): Uncertain significance. Review status: criteria provided, multiple submitters, no conflicts (2 of 4 stars). 2 submissions from 2 submitters: Uncertain significance (2). Last evaluated 2025-09-27.

Conditions:
Inborn genetic diseases. Identifiers: MedGen C0950123, MeSH D030342.

Submissions (2):

Ambry Genetics
Classification: Uncertain significance for Inborn genetic diseases. Last evaluated: 2025-09-27. Review status: criteria provided, single submitter. Criteria: Ambry Variant Classification Scheme 2023. Collection method: clinical testing. Allele origin: germline.

Labcorp Genetics (formerly Invitae), Labcorp
Classification: Uncertain significance. Last evaluated: 2022-09-25. Review status: criteria provided, single submitter. Criteria: Invitae Variant Classification Sherloc (09022015). Collection method: clinical testing. Allele origin: germline.
Comment: This sequence change replaces isoleucine, which is neutral and non-polar, with valine, which is neutral and non-polar, at codon 892 of the KIF11 protein (p.Ile892Val). This variant is not present in population databases (gnomAD no frequency). This variant has not been reported in the literature in individuals affected with KIF11-related conditions. Advanced modeling of protein sequence and biophysical properties (such as structural, functional, and spatial information, amino acid conservation, physicochemical variation, residue mobility, and thermodynamic stability) performed at Invitae indicates that this missense variant is not expected to disrupt KIF11 protein function. In summary, the available evidence is currently insufficient to determine the role of this variant in disease. Therefore, it has been classified as a Variant of Uncertain Significance.

NM_004523.4(KIF11):c.2674A>G (p.Ile892Val)

Gene: KIF11 (kinesin family member 11; plus strand). Cytogenetic location: 10q23.33.
Variant type: single nucleotide variant.
Coding change: c.2674A>G on transcript NM_004523.4 (MANE Select); coding-DNA position 2674, A replaced by G.
Protein change: p.Ile892Val; replaces isoleucine 892 with valine.
Molecular consequence: missense variant.
Genome position (GRCh38, 1-based): chr10:92,648,338, A>G. VCF-style: chr10-92648338-A-G. GRCh37 (hg19) VCF-style: chr10-94408095-A-G.
Other names: c.2674A>G (NM_004523.3); short protein forms I892V.
Identifiers: ClinVar variation 2016510 (VCV002016510.5), dbSNP rs1442203365, ClinGen allele CA377805577.